The following is an entry in ClinVar:

ClinVar aggregate classification (germline): Uncertain significance (1 of 4 stars; one submission).

Conditions:
Nephronophthisis. Also called: Juvenile Nephronophthisis. Identifiers: Orphanet 655, MedGen C0687120, MONDO:0019005, HP:0000090.

Allele frequency attached by ClinVar (database versions not stated): gnomAD exomes below 0.00001; ExAC 0.00002.
gnomAD v4.1: 15 of 1,613,982 alleles (0.00093%); highest among the groups gnomAD compares: South Asian, 0.0044%; no homozygotes.

Submission:

Labcorp Genetics (formerly Invitae), Labcorp
Classification: Uncertain significance for Nephronophthisis. Last evaluated: 2022-05-16. Review status: criteria provided, single submitter. Criteria: Invitae Variant Classification Sherloc (09022015). Collection method: clinical testing. Allele origin: germline.
Comment: This sequence change replaces arginine, which is basic and polar, with histidine, which is basic and polar, at codon 605 of the NPHP3 protein (p.Arg605His). This variant is present in population databases (rs763388690, gnomAD 0.003%). This variant has not been reported in the literature in individuals affected with NPHP3-related conditions. Algorithms developed to predict the effect of missense changes on protein structure and function output the following: SIFT: "Tolerated"; PolyPhen-2: "Benign"; Align-GVGD: "Class C0". The histidine amino acid residue is found in multiple mammalian species, which suggests that this missense change does not adversely affect protein function. In summary, the available evidence is currently insufficient to determine the role of this variant in disease. Therefore, it has been classified as a Variant of Uncertain Significance.

NM_153240.5(NPHP3):c.1814G>A (p.Arg605His)

Genes: NPHP3 (nephrocystin 3; minus strand), NPHP3-ACAD11 (NPHP3-ACAD11 readthrough (NMD candidate); minus strand). Cytogenetic location: 3q22.1.
Variant type: single nucleotide variant.
Coding change: c.1814G>A on transcript NM_153240.5 (MANE Select); coding-DNA position 1814, G replaced by A.
Protein change: p.Arg605His; replaces arginine 605 with histidine.
Molecular consequence: missense variant. On other transcripts: non-coding transcript variant (1).
Genome position (GRCh38, 1-based): chr3:132,699,991, C>T on the plus strand (G>A on the coding strand, the complement: NPHP3 is on the minus strand). VCF-style: chr3-132699991-C-T. GRCh37 (hg19) VCF-style: chr3-132418835-C-T.
Other names: short protein forms R605H.
Identifiers: ClinVar variation 1427242 (VCV001427242.5), dbSNP rs763388690, ClinGen allele CA2622197.